The following is an entry in ClinVar:

ClinVar aggregate classification (germline): Likely benign. Review status: criteria provided, multiple submitters, no conflicts (2 of 4 stars). 3 submissions from 3 submitters: Likely benign (3). Last evaluated 2025-09-04.

Conditions:
Congenital disorder of glycosylation, type IIq. Also called: CDG IIq. Identifiers: Orphanet 435934, MedGen C4479353, MONDO:0054559, OMIM 617395.

Allele frequency attached by ClinVar (database versions not stated): ESP Exome Variant Server 0.00038; 1000 Genomes Project 0.00040; ExAC 0.00040; gnomAD exomes 0.00052 and 0.00090; 1000 Genomes Project 30x 0.00062; gnomAD 0.00064 and 0.00068; TOPMed 0.00068.
gnomAD v4.1: 1,437 of 1,613,836 alleles (0.089%); highest among the groups gnomAD compares: Non-Finnish European, 0.11%; 1 homozygote.

Submissions (3):

Labcorp Genetics (formerly Invitae), Labcorp
Classification: Likely benign for Congenital disorder of glycosylation, type IIq. Last evaluated: 2025-09-04. Review status: criteria provided, single submitter. Criteria: Invitae Variant Classification Sherloc (09022015). Collection method: clinical testing. Allele origin: germline.

CeGaT Center for Human Genetics Tuebingen
Classification: Likely benign. Last evaluated: 2025-05-01. Review status: criteria provided, single submitter. Criteria: CeGaT Center For Human Genetics Tuebingen Variant Classification Criteria Version 2. Collection method: clinical testing. Allele origin: germline. Affected: yes. Observed: 3 variant alleles.
Comment: COG2: BP4, BP7

Breakthrough Genomics
Classification: Likely benign. Review status: criteria provided, single submitter. Criteria: ACMG Guidelines, 2015. Collection method: not provided. Allele origin: germline. Inheritance: Autosomal recessive inheritance. Affected: yes.

NM_007357.3(COG2):c.627G>A (p.Gln209=)

Gene: COG2 (component of oligomeric golgi complex 2; plus strand). Cytogenetic location: 1q42.2.
Variant type: single nucleotide variant.
Coding change: c.627G>A on transcript NM_007357.3 (MANE Select); coding-DNA position 627, G replaced by A.
Protein change: p.Gln209=; no amino-acid change (glutamine 209 retained).
Molecular consequence: synonymous variant.
Genome position (GRCh38, 1-based): chr1:230,669,388, G>A. VCF-style: chr1-230669388-G-A. GRCh37 (hg19) VCF-style: chr1-230805134-G-A.
Other names: c.627G>A, p.Gln209= (NM_001145036.2).
Identifiers: ClinVar variation 714671 (VCV000714671.24), dbSNP rs150261948, ClinGen allele CA1447488.